The following is an entry in ClinVar:

NM_015335.5(MED13L):c.2354A>T (p.Gln785Leu)

Gene: MED13L (mediator complex subunit 13L; minus strand). Cytogenetic location: 12q24.21.
Variant type: single nucleotide variant.
Coding change: c.2354A>T on transcript NM_015335.5 (MANE Select); coding-DNA position 2354, A replaced by T.
Protein change: p.Gln785Leu; replaces glutamine 785 with leucine.
Molecular consequence: missense variant.
Genome position (GRCh38, 1-based): chr12:116,005,984, T>A on the plus strand (A>T on the coding strand, the complement: MED13L is on the minus strand). VCF-style: chr12-116005984-T-A. GRCh37 (hg19) VCF-style: chr12-116443789-T-A.
Other names: short protein forms Q785L.
Identifiers: ClinVar variation 464488 (VCV000464488.9), dbSNP rs1555247342, ClinGen allele CA386893141.

ClinVar aggregate classification (germline): Uncertain significance (1 of 4 stars; one submission).

Conditions:
Dextro-looped transposition of the great arteries. Also called: Dextrotransposition of the great arteries. Identifiers: Orphanet 860, MedGen C3531771, MONDO:0019443, OMIM 608808, HP:0031348.

Submission:

Labcorp Genetics (formerly Invitae), Labcorp
Classification: Uncertain significance for Dextro-looped transposition of the great arteries. Last evaluated: 2017-01-05. Review status: criteria provided, single submitter. Criteria: Invitae Variant Classification Sherloc (09022015). Collection method: clinical testing. Allele origin: germline.
Comment: In summary, this variant is a novel missense change that is not predicted to affect protein function. There is no indication that it causes disease, but the available evidence is currently insufficient to prove that conclusively. Therefore, it has been classified as a Variant of Uncertain Significance. Algorithms developed to predict the effect of missense changes on protein structure and function (SIFT, PolyPhen-2, Align-GVGD) all suggest that this variant is likely to be tolerated, but these predictions have not been confirmed by published functional studies. This variant is not present in population databases (ExAC no frequency) and has not been reported in the literature in individuals with a MED13L-related disease. This sequence change replaces glutamine with leucine at codon 785 of the MED13L protein (p.Gln785Leu). The glutamine residue is moderately conserved and there is a moderate physicochemical difference between glutamine and leucine.